The following is an entry in ClinVar:

NM_000188.3(HK1):c.2282T>G (p.Phe761Cys)

Gene: HK1 (hexokinase 1; plus strand). Cytogenetic location: 10q22.1.
Variant type: single nucleotide variant.
Coding change: c.2282T>G on transcript NM_000188.3 (MANE Select); coding-DNA position 2282, T replaced by G.
Protein change: p.Phe761Cys; replaces phenylalanine 761 with cysteine.
Molecular consequence: missense variant. On other transcripts: non-coding transcript variant (2), intron variant (1).
Genome position (GRCh38, 1-based): chr10:69,395,012, T>G. VCF-style: chr10-69395012-T-G. GRCh37 (hg19) VCF-style: chr10-71154768-T-G.
Other names: c.2294T>G, p.Phe765Cys (NM_001322364.2, NM_001358263.1, NM_033497.3 and 1 more transcripts); c.2387T>G, p.Phe796Cys (NM_001322365.2); c.2198T>G, p.Phe733Cys (NM_001322366.1, NM_001441143.1); c.2186T>G, p.Phe729Cys (NM_001322367.1); c.2279T>G, p.Phe760Cys (NM_001441139.1, NM_033496.3); c.2273T>G, p.Phe758Cys (NM_001441140.1); c.2282T>G, p.Phe761Cys (NM_001441141.1, NM_001441148.1); c.2240T>G, p.Phe747Cys (NM_001441142.1); and 9 more; short protein forms F639C, F796C, F523C, F729C, F758C, F765C, F425C, F548C.
Identifiers: ClinVar variation 5007725 (VCV005007725.2).
Genomic context (GRCh38, chr10:69,395,012, plus strand): 5'-ATGAGAAGATGATCAGTGGTATGTACCTGGGTGAAATCGTCCGCAACATCTTAATCGACT[T>G]CACCAAGAAGGGATTCCTCTTCCGAGGGCAGATCTCTGAGACGCTGAAGACCCGGGGCAT-3'
Protein context (NP_000179.2, residues 751-771): GEIVRNILID[Phe761Cys]TKKGFLFRGQ

ClinVar aggregate classification (germline): Uncertain significance (1 of 4 stars; one submission).

Conditions:
Neurodevelopmental disorder with visual defects and brain anomalies. Identifiers: MedGen C5231404, MONDO:0032807, OMIM 618547.
Hemolytic anemia due to hexokinase deficiency (CNSHA5). Also called: ANEMIA, CONGENITAL, NONSPHEROCYTIC HEMOLYTIC, 5; Non-spherocytic hemolytic anemia due to hexokinase deficiency; Hexokinase deficiency hemolytic anemia; HEMOLYTIC ANEMIA, NONSPHEROCYTIC, DUE TO HEXOKINASE DEFICIENCY. Identifiers: Orphanet 90031, MedGen C3150343, MONDO:0009340, OMIM 235700.
Charcot-Marie-Tooth disease type 4G. Also called: CHARCOT-MARIE-TOOTH DISEASE, DEMYELINATING, TYPE 4G; Neuropathy, hereditary motor and sensory, Russe type; CHARCOT-MARIE-TOOTH NEUROPATHY, TYPE 4G. Identifiers: Orphanet 99953, MedGen C1854449, MONDO:0011534, OMIM 605285.
Retinitis pigmentosa 79 (RP79). Identifiers: MedGen C4479526, MONDO:0044320, OMIM 617460.

Submission:

Juno Genomics, Hangzhou Juno Genomics, Inc
Classification: Uncertain significance for Hemolytic anemia due to hexokinase deficiency; Neurodevelopmental disorder with visual defects and brain anomalies; Charcot-Marie-Tooth disease type 4G; Retinitis pigmentosa 79. Review status: criteria provided, single submitter. Criteria: ACMG Guidelines, 2015. Collection method: clinical testing. Allele origin: germline.
Comment: Absent from controls (or at extremely low frequency if recessive) in Genome Aggregation Database.;Missense variant in a gene that has a low rate of benign missense variation.;Multiple lines of computational evidence support a deleterious effect on the gene or gene product.